The following is an entry in ClinVar:

ClinVar aggregate classification (germline): Uncertain significance. Review status: criteria provided, multiple submitters, no conflicts (2 of 4 stars). 2 submissions from 2 submitters: Uncertain significance (2). Last evaluated 2024-10-02.

Allele frequency attached by ClinVar (database versions not stated): gnomAD exomes below 0.00001.
gnomAD v4.1: 1 of 1,608,774 alleles (0.000062%); highest among the groups gnomAD compares: Non-Finnish European, 0.000085%; no homozygotes.

Submissions (2):

Labcorp Genetics (formerly Invitae), Labcorp
Classification: Uncertain significance. Last evaluated: 2024-10-02. Review status: criteria provided, single submitter. Criteria: Invitae Variant Classification Sherloc (09022015). Collection method: clinical testing. Allele origin: germline.
Comment: This sequence change replaces threonine, which is neutral and polar, with alanine, which is neutral and non-polar, at codon 253 of the SMAD2 protein (p.Thr253Ala). This variant is not present in population databases (gnomAD no frequency). This variant has not been reported in the literature in individuals affected with SMAD2-related conditions. ClinVar contains an entry for this variant (Variation ID: 1307658). Invitae Evidence Modeling of protein sequence and biophysical properties (such as structural, functional, and spatial information, amino acid conservation, physicochemical variation, residue mobility, and thermodynamic stability) indicates that this missense variant is not expected to disrupt SMAD2 protein function with a negative predictive value of 80%. In summary, the available evidence is currently insufficient to determine the role of this variant in disease. Therefore, it has been classified as a Variant of Uncertain Significance.

GeneDx
Classification: Uncertain significance. Last evaluated: 2019-08-05. Review status: criteria provided, single submitter. Criteria: GeneDx Variant Classification Process June 2021. Collection method: clinical testing. Allele origin: germline. Affected: yes.
Comment: Has not been previously published as pathogenic or benign to our knowledge; Not observed in large population cohorts (Lek et al., 2016); In silico analysis, which includes protein predictors and evolutionary conservation, supports that this variant does not alter protein structure/function

NM_005901.6(SMAD2):c.757A>G (p.Thr253Ala)

Gene: SMAD2 (SMAD family member 2; minus strand). Cytogenetic location: 18q21.1.
Variant type: single nucleotide variant.
Coding change: c.757A>G on transcript NM_005901.6 (MANE Select); coding-DNA position 757, A replaced by G.
Protein change: p.Thr253Ala; replaces threonine 253 with alanine.
Molecular consequence: missense variant.
Genome position (GRCh38, 1-based): chr18:47,851,301, T>C on the plus strand (A>G on the coding strand, the complement: SMAD2 is on the minus strand). VCF-style: chr18-47851301-T-C. GRCh37 (hg19) VCF-style: chr18-45377672-T-C.
Other names: c.757A>G, p.Thr253Ala (NM_001003652.4); c.667A>G, p.Thr223Ala (NM_001135937.3); short protein forms T223A, T253A.
Identifiers: ClinVar variation 1307658 (VCV001307658.6), dbSNP rs2144318911, ClinGen allele CA402504780.